The following is an entry in ClinVar:

NM_001031689.3(PLAA):c.86A>T (p.Tyr29Phe)

Gene: PLAA (phospholipase A2 activating protein; minus strand). Cytogenetic location: 9p21.2.
Variant type: single nucleotide variant.
Coding change: c.86A>T on transcript NM_001031689.3 (MANE Select); coding-DNA position 86, A replaced by T.
Protein change: p.Tyr29Phe; replaces tyrosine 29 with phenylalanine.
Molecular consequence: missense variant.
Genome position (GRCh38, 1-based): chr9:26,946,960, T>A on the plus strand (A>T on the coding strand, the complement: PLAA is on the minus strand). VCF-style: chr9-26946960-T-A. GRCh37 (hg19) VCF-style: chr9-26946958-T-A.
Other names: c.86A>T, p.Tyr29Phe (NM_001321546.2); short protein forms Y29F.
Identifiers: ClinVar variation 1491767 (VCV001491767.8), dbSNP rs756160184, ClinGen allele CA373114703.

ClinVar aggregate classification (germline): Uncertain significance (1 of 4 stars; one submission).

Submission:

Labcorp Genetics (formerly Invitae), Labcorp
Classification: Uncertain significance. Last evaluated: 2022-09-01. Review status: criteria provided, single submitter. Criteria: Invitae Variant Classification Sherloc (09022015). Collection method: clinical testing. Allele origin: germline.
Comment: In summary, the available evidence is currently insufficient to determine the role of this variant in disease. Therefore, it has been classified as a Variant of Uncertain Significance. Algorithms developed to predict the effect of missense changes on protein structure and function output the following: SIFT: "Tolerated"; PolyPhen-2: "Benign"; Align-GVGD: "Class C0". The phenylalanine amino acid residue is found in multiple mammalian species, which suggests that this missense change does not adversely affect protein function. ClinVar contains an entry for this variant (Variation ID: 1491767). This variant has not been reported in the literature in individuals affected with PLAA-related conditions. This variant is not present in population databases (gnomAD no frequency). This sequence change replaces tyrosine, which is neutral and polar, with phenylalanine, which is neutral and non-polar, at codon 29 of the PLAA protein (p.Tyr29Phe).